The following is an entry in ClinVar:

ClinVar aggregate classification (germline): Pathogenic. Review status: criteria provided, multiple submitters, no conflicts (2 of 4 stars). 5 submissions from 5 submitters: Pathogenic (4). 1 of the submissions does not count toward it. Last evaluated 2025-05-25.

Conditions:
BAP1-related tumor predisposition syndrome (TPDS1). Also called: COMMON Syndrome; Tumor susceptibility linked to germline BAP1 mutations; BAP1 tumor predisposition syndrome; TUMOR PREDISPOSITION SYNDROME 1. Identifiers: Orphanet 289539, MedGen C3280492, MONDO:0013692, OMIM 614327.
Hereditary cancer-predisposing syndrome. Also called: Hereditary Cancer Syndrome; Tumor predisposition; Hereditary neoplastic syndrome; Neoplastic Syndromes, Hereditary. Identifiers: Orphanet 140162, MedGen C0027672, MeSH D009386, MONDO:0015356.

Submissions (5):

Ambry Genetics
Classification: Pathogenic for Hereditary cancer-predisposing syndrome. Last evaluated: 2025-05-25. Review status: criteria provided, single submitter. Criteria: Ambry Variant Classification Scheme 2023. Collection method: clinical testing. Allele origin: germline.
Comment: The c.1882_1885delTCAC pathogenic mutation, located in coding exon 14 of the BAP1 gene, results from a deletion of 4 nucleotides at nucleotide positions 1882 to 1885, causing a translational frameshift with a predicted alternate stop codon (p.S628Pfs*8). This variant was reported in individual(s) with features consistent with BAP1-related tumor predisposition syndrome (Pilarski R et al. Genes Chromosomes Cancer, 2014 Feb;53:177-82; Ohar JA et al. Cancer Res, 2016 Jan;76:206-15; Ewens KG et al. BMC Cancer, 2018 Nov;18:1172). This variant is considered to be rare based on population cohorts in the Genome Aggregation Database (gnomAD). In addition to the clinical data presented in the literature, this alteration is expected to result in loss of function by premature protein truncation or nonsense-mediated mRNA decay. As such, this alteration is interpreted as a disease-causing mutation.

Labcorp Genetics (formerly Invitae), Labcorp
Classification: Pathogenic for BAP1-related tumor predisposition syndrome. Last evaluated: 2024-09-24. Review status: criteria provided, single submitter. Criteria: Invitae Variant Classification Sherloc (09022015). Collection method: clinical testing. Allele origin: germline.
Comment: This sequence change creates a premature translational stop signal (p.Ser628Profs*8) in the BAP1 gene. It is expected to result in an absent or disrupted protein product. Loss-of-function variants in BAP1 are known to be pathogenic (PMID: 21874000, 23684012). This variant is not present in population databases (gnomAD no frequency). This premature translational stop signal has been observed in individual(s) with BAP1 tumor predisposition syndrome (PMID: 21874000, 24243779). ClinVar contains an entry for this variant (Variation ID: 628182). For these reasons, this variant has been classified as Pathogenic.

CeGaT Center for Human Genetics Tuebingen
Classification: Pathogenic. Last evaluated: 2022-08-01. Review status: criteria provided, single submitter. Criteria: CeGaT Center For Human Genetics Tuebingen Variant Classification Criteria Version 2. Collection method: clinical testing. Allele origin: germline. Affected: yes. Observed: 2 variant alleles.
Comment: BAP1: PVS1, PM2

Color Diagnostics, LLC DBA Color Health
Classification: Pathogenic for Hereditary cancer-predisposing syndrome. Last evaluated: 2020-04-21. Review status: criteria provided, single submitter. Criteria: ACMG Guidelines, 2015. Collection method: clinical testing. Allele origin: germline.
Comment: This variant deletes 4 nucleotides in exon 14 of the BAP1 gene, creating a frameshift and premature translation stop signal. This variant is expected to result in an absent or non-functional protein product. This variant has been reported in individuals affected with melanoma, colorectal cancer, renal cell carcinoma, breast cancer, and malignant mesothelioma (PMID: 24243779, 26719535). This variant has not been identified in the general population by the Genome Aggregation Database (gnomAD). Loss of BAP1 function is a known mechanism of disease. Based on the available evidence, this variant is classified as Pathogenic.

OMIM
Classification: Pathogenic for TUMOR PREDISPOSITION SYNDROME 1. Last evaluated: 2011-08-28. Review status: no assertion criteria provided. Collection method: literature only. Allele origin: germline. Not counted in ClinVar's aggregate classification.

Literature cited by the submitters: PubMed 24243779 (cited by Ambry Genetics and Labcorp Genetics (formerly Invitae), Labcorp); PubMed 26719535 (cited by Ambry Genetics); PubMed 30477459 (cited by Ambry Genetics); PubMed 21874000 (cited by Labcorp Genetics (formerly Invitae), Labcorp and OMIM); PubMed 23684012 (cited by Labcorp Genetics (formerly Invitae), Labcorp).

NM_004656.4(BAP1):c.1882_1885del (p.Ser628fs)

Gene: BAP1 (BRCA1 associated deubiquitinase 1; minus strand). Cytogenetic location: 3p21.1.
Variant type: Deletion.
Coding change: c.1882_1885del on transcript NM_004656.4 (MANE Select); coding-DNA positions 1882 to 1885, 4 bases deleted (TCAC; older notation c.1882_1885delTCAC).
Protein change: p.Ser628fs; shifts the reading frame from serine 628.
Molecular consequence: frameshift variant.
Genome position (GRCh38, 1-based): chr3:52,403,143-52,403,146, GTGA deleted on the plus strand (TCAC on the coding strand, the reverse complement: BAP1 is on the minus strand); deleting any 4 consecutive bases within chr3:52,403,143-52,403,148 gives the same sequence; the c. name uses the placement nearest the transcript's 3' end. VCF-style (leftmost placement, unchanged base first): chr3-52403142-GGTGA-G. GRCh37 (hg19) VCF-style: chr3-52437158-GGTGA-G.
Other names: c.1882_1885delTCAC (NM_004656.2); short protein forms S628fs.
Identifiers: ClinVar variation 628182 (VCV000628182.49), dbSNP rs1559585778, ClinGen allele CA645529887.